The following is an entry in ClinVar:

NM_004100.5(EYA4):c.89T>A (p.Met30Lys)

Gene: EYA4 (EYA transcriptional coactivator and phosphatase 4; plus strand). Cytogenetic location: 6q23.2.
Variant type: single nucleotide variant.
Coding change: c.89T>A on transcript NM_004100.5 (MANE Select); coding-DNA position 89, T replaced by A.
Protein change: p.Met30Lys; replaces methionine 30 with lysine.
Molecular consequence: missense variant.
Genome position (GRCh38, 1-based): chr6:133,446,635, T>A. VCF-style: chr6-133446635-T-A. GRCh37 (hg19) VCF-style: chr6-133767773-T-A.
Other names: c.89T>A, p.Met30Lys (NM_001301012.2, NM_001301013.2, NM_001370458.1 and 3 more transcripts); short protein forms M30K.
Identifiers: ClinVar variation 518967 (VCV000518967.13), dbSNP rs1554259054, ClinGen allele CA365837910.

ClinVar aggregate classification (germline): Uncertain significance. Review status: criteria provided, multiple submitters, no conflicts (2 of 4 stars). 2 submissions from 2 submitters: Uncertain significance (2). Last evaluated 2018-10-23.

Conditions:
Cardiovascular phenotype. Identifiers: MedGen CN230736.
Dilated cardiomyopathy 1J (CMD1J). Also called: CARDIOMYOPATHY, DILATED, WITH SENSORINEURAL HEARING LOSS, AUTOSOMAL DOMINANT. Identifiers: Orphanet 217622, MedGen C1854368, MONDO:0011541, OMIM 605362.

Allele frequency attached by ClinVar (database versions not stated): TOPMed below 0.00001; gnomAD exomes 0.00001.
gnomAD v4.1: 9 of 1,613,992 alleles (0.00056%); highest among the groups gnomAD compares: Middle Eastern, 0.017%; no homozygotes.

Submissions (2):

Labcorp Genetics (formerly Invitae), Labcorp
Classification: Uncertain significance for Dilated cardiomyopathy 1J. Last evaluated: 2018-10-23. Review status: criteria provided, single submitter. Criteria: Invitae Variant Classification Sherloc (09022015). Collection method: clinical testing. Allele origin: germline.
Comment: This variant is not present in population databases (ExAC no frequency). In summary, the available evidence is currently insufficient to determine the role of this variant in disease. Therefore, it has been classified as a Variant of Uncertain Significance. Algorithms developed to predict the effect of missense changes on protein structure and function are either unavailable or do not agree on the potential impact of this missense change (SIFT: "Tolerated"; PolyPhen-2: "Possibly Damaging"; Align-GVGD: "Class C0"). This variant has not been reported in the literature in individuals with EYA4-related disease. ClinVar contains an entry for this variant (Variation ID: 518967). This sequence change replaces methionine with lysine at codon 30 of the EYA4 protein (p.Met30Lys). The methionine residue is moderately conserved and there is a moderate physicochemical difference between methionine and lysine.

Ambry Genetics
Classification: Uncertain significance for Cardiovascular phenotype. Last evaluated: 2017-01-05. Review status: criteria provided, single submitter. Criteria: Ambry Variant Classification Scheme 2023. Collection method: clinical testing. Allele origin: germline.
Comment: The p.M30K variant (also known as c.89T>A), located in coding exon 3 of the EYA4 gene, results from a T to A substitution at nucleotide position 89. The methionine at codon 30 is replaced by lysine, an amino acid with some similar properties. This amino acid position is highly conserved in available vertebrate species. In addition, this alteration is predicted to be deleterious by in silico analysis. Since supporting evidence is limited at this time, the clinical significance of this alteration remains unclear.